The following is an entry in ClinVar:

NM_004444.5(EPHB4):c.751A>G (p.Thr251Ala)

Gene: EPHB4 (EPH receptor B4; minus strand). Cytogenetic location: 7q22.1.
Variant type: single nucleotide variant.
Coding change: c.751A>G on transcript NM_004444.5 (MANE Select); coding-DNA position 751, A replaced by G.
Protein change: p.Thr251Ala; replaces threonine 251 with alanine.
Molecular consequence: missense variant.
Genome position (GRCh38, 1-based): chr7:100,822,328, T>C on the plus strand (A>G on the coding strand, the complement: EPHB4 is on the minus strand). VCF-style: chr7-100822328-T-C. GRCh37 (hg19) VCF-style: chr7-100419950-T-C.
Other names: short protein forms T251A.
Identifiers: ClinVar variation 4842537 (VCV004842537.1).

ClinVar aggregate classification (germline): Uncertain significance (1 of 4 stars; one submission).

Conditions:
Cardiovascular phenotype. Identifiers: MedGen CN230736.

gnomAD v4.1: 2 of 1,567,584 alleles (0.00013%); highest among the groups gnomAD compares: Admixed American, 0.0018%; no homozygotes.

Submission:

Ambry Genetics
Classification: Uncertain significance for Cardiovascular phenotype. Last evaluated: 2025-12-24. Review status: criteria provided, single submitter. Criteria: Ambry Variant Classification Scheme 2023. Collection method: clinical testing. Allele origin: germline.
Comment: The p.T251A variant (also known as c.751A>G), located in coding exon 4 of the EPHB4 gene, results from an A to G substitution at nucleotide position 751. The threonine at codon 251 is replaced by alanine, an amino acid with similar properties. This amino acid position is conserved. In addition, the in silico prediction for this alteration is inconclusive. Based on the available evidence, the clinical significance of this variant remains unclear.